The following is an entry in ClinVar:

NM_015599.3(PGM3):c.86G>A (p.Arg29Gln)

Gene: PGM3 (phosphoglucomutase 3; minus strand). Cytogenetic location: 6q14.1.
Variant type: single nucleotide variant.
Coding change: c.86G>A on transcript NM_015599.3 (MANE Select); coding-DNA position 86, G replaced by A.
Protein change: p.Arg29Gln; replaces arginine 29 with glutamine.
Molecular consequence: missense variant. On other transcripts: non-coding transcript variant (1), intron variant (1).
Genome position (GRCh38, 1-based): chr6:83,190,927, C>T on the plus strand (G>A on the coding strand, the complement: PGM3 is on the minus strand). VCF-style: chr6-83190927-C-T. GRCh37 (hg19) VCF-style: chr6-83900646-C-T.
Other names: c.170G>A, p.Arg57Gln (NM_001199917.2, NM_001367287.1); c.86G>A, p.Arg29Gln (NM_001199919.2, NM_001367286.1); c.-39-2129G>A (NM_001199918.2); short protein forms R29Q, R57Q.
Identifiers: ClinVar variation 1029247 (VCV001029247.3), dbSNP rs375717834, ClinGen allele CA3906894.
Genomic context (GRCh38, chr6:83,190,927, plus strand): 5'-CTCAGGACAGCTAATAATCCCATGCGAAACATGACATGATCAAGATGTTCTGCCTTCGTT[C>T]GAAATCCAGCAGTCCCGTATTGAAGGATCAGTCCATTGGGCTTGGCGTGTAATGCTGAGT-3'
Protein context (NP_056414.1, residues 19-39): LILQYGTAGF[Arg29Gln]TKAEHLDHVM

ClinVar aggregate classification (germline): Uncertain significance. Review status: criteria provided, multiple submitters, no conflicts (2 of 4 stars). 2 submissions from 2 submitters: Uncertain significance (2). Last evaluated 2024-06-16.

Conditions:
Immunodeficiency 23 (IMD23). Also called: IMMUNODEFICIENCY WITH HYPER IgE AND COGNITIVE IMPAIRMENT; IMMUNODEFICIENCY-VASCULITIS-MYOCLONUS SYNDROME. Identifiers: Orphanet 443811, MedGen C4014371, MONDO:0014353, OMIM 615816.

Allele frequency attached by ClinVar (database versions not stated): gnomAD exomes below 0.00001 and 0.00001; gnomAD 0.00001; TOPMed 0.00001; ExAC 0.00002; ESP Exome Variant Server 0.00015.

Submissions (2):

Labcorp Genetics (formerly Invitae), Labcorp
Classification: Uncertain significance for Immunodeficiency 23. Last evaluated: 2024-06-16. Review status: criteria provided, single submitter. Criteria: Invitae Variant Classification Sherloc (09022015). Collection method: clinical testing. Allele origin: germline.
Comment: This sequence change replaces arginine, which is basic and polar, with glutamine, which is neutral and polar, at codon 57 of the PGM3 protein (p.Arg57Gln). This variant is present in population databases (rs375717834, gnomAD 0.002%). This variant has not been reported in the literature in individuals affected with PGM3-related conditions. ClinVar contains an entry for this variant (Variation ID: 1029247). An algorithm developed to predict the effect of missense changes on protein structure and function (PolyPhen-2) suggests that this variant is likely to be disruptive. In summary, the available evidence is currently insufficient to determine the role of this variant in disease. Therefore, it has been classified as a Variant of Uncertain Significance.

Baylor Genetics
Classification: Uncertain significance for Immunodeficiency 23. Last evaluated: 2019-02-11. Review status: criteria provided, single submitter. Criteria: ACMG Guidelines, 2015. Collection method: clinical testing. Allele origin: maternal. Affected: yes.
Comment: This variant was determined to be of uncertain significance according to ACMG Guidelines, 2015 [PMID:25741868].